The following is an entry in ClinVar:

NM_000057.4(BLM):c.2565G>C (p.Met855Ile)

Gene: BLM (BLM RecQ like helicase; plus strand). Cytogenetic location: 15q26.1.
Variant type: single nucleotide variant.
Coding change: c.2565G>C on transcript NM_000057.4 (MANE Select); coding-DNA position 2565, G replaced by C.
Protein change: p.Met855Ile; replaces methionine 855 with isoleucine.
Molecular consequence: missense variant.
Genome position (GRCh38, 1-based): chr15:90,782,831, G>C. VCF-style: chr15-90782831-G-C. GRCh37 (hg19) VCF-style: chr15-91326061-G-C.
Other names: c.2565G>C, p.Met855Ile (NM_001287246.2, NM_001287247.2); c.1440G>C, p.Met480Ile (NM_001287248.2); short protein forms M480I, M855I.
Identifiers: ClinVar variation 2917460 (VCV002917460.3), dbSNP rs2505495265, ClinGen allele CA393845601.
Genomic context (GRCh38, chr15:90,782,831, plus strand): 5'-AAAGTCATATTTTCTCATAATAACTAAATTTTATGTTTGGGACTTTTTTAGGTTTAGCAT[G>C]AGCTTTAACAGACATAATCTGAAATACTATGTATTACCGAAAAAGCCTAAAAAGGTGGCA-3'
Protein context (NP_000048.1, residues 845-865): LKILRPQVFS[Met855Ile]SFNRHNLKYY

ClinVar aggregate classification (germline): Uncertain significance (1 of 4 stars; one submission).

Conditions:
Bloom syndrome (BLM). Also called: Bloom-Torre-Machacek syndrome. Identifiers: Orphanet 125, MedGen C0005859, MONDO:0008876, OMIM 210900.

Submission:

Labcorp Genetics (formerly Invitae), Labcorp
Classification: Uncertain significance for Bloom syndrome. Last evaluated: 2023-10-04. Review status: criteria provided, single submitter. Criteria: Invitae Variant Classification Sherloc (09022015). Collection method: clinical testing. Allele origin: germline.
Comment: This sequence change replaces methionine, which is neutral and non-polar, with isoleucine, which is neutral and non-polar, at codon 855 of the BLM protein (p.Met855Ile). This variant is not present in population databases (gnomAD no frequency). This variant has not been reported in the literature in individuals affected with BLM-related conditions. Advanced modeling of protein sequence and biophysical properties (such as structural, functional, and spatial information, amino acid conservation, physicochemical variation, residue mobility, and thermodynamic stability) performed at Invitae indicates that this missense variant is expected to disrupt BLM protein function. In summary, the available evidence is currently insufficient to determine the role of this variant in disease. Therefore, it has been classified as a Variant of Uncertain Significance.